The following is an entry in ClinVar:

ClinVar aggregate classification (germline): Pathogenic. Review status: reviewed by expert panel (3 of 4 stars). 16 submissions from 16 submitters: Pathogenic (1). 15 of the submissions do not count toward it. Last evaluated 2023-12-22.

Conditions:
Leber congenital amaurosis 2 (LCA2). Also called: AMAUROSIS CONGENITA OF LEBER II; Autosomal Recessive RPE65-Related Retinal Degeneration. Identifiers: Orphanet 65, MedGen C1859844, MONDO:0008765, OMIM 204100. Disease mechanism: loss of function.
Retinitis pigmentosa 20 (RP20). Identifiers: Orphanet 791, MedGen C3151086, MONDO:0013425, OMIM 613794.
Retinitis pigmentosa 87 with choroidal involvement. Identifiers: MedGen C5231465, MONDO:0032873, OMIM 618697.
RPE65-related recessive retinopathy. Also called: Recessive RPE65 retinopathy. Identifiers: MedGen CN305526, MONDO:0100368.
RPE65-related disorder. Also called: RPE65-related condition; RPE65-related disorders. Identifiers: MedGen CN239301.
Leber congenital amaurosis (LCA). Also called: Leber's amaurosis. Identifiers: Orphanet 65, MedGen C0339527, MeSH D057130, MONDO:0018998.

Allele frequency attached by ClinVar (database versions not stated): ESP Exome Variant Server 0.00008; ExAC 0.00001; gnomAD 0.00001; gnomAD exomes 0.00001 and 0.00002; TOPMed 0.00002.
gnomAD v4.1: 12 of 1,613,152 alleles (0.00074%); highest among the groups gnomAD compares: Admixed American, 0.0067%; no homozygotes.

Submissions (16):

ClinGen Leber Congenital Amaurosis/early Onset Retinal Dystrophy Variant Curation Expert Panel, ClinGen
Classification: Pathogenic for RPE65-related recessive retinopathy. Last evaluated: 2023-12-22. Review status: reviewed by expert panel. Criteria: ClinGen LCAeoRD ACMG Specifications RPE65 V1.0.0. Collection method: curation. Allele origin: germline. Inheritance: Autosomal recessive inheritance.
Comment: The NM_000329.3(RPE65):c.95-2A>T variant disrupts a canonical splice site in intron 2 and is predicted to lead to skipping of a critical exon in which missense variants have previously been established as a mechanism of disease (PVS1). At least 6 probands have been reported with this variant, one of whom displayed markedly impaired night vision (0.5 pts), reduced visual acuity 20/60 from an early age (1 pt), nystagmus (1 pt), RPE demelanization (0.5 pts), poor pupillary light response (0.5 pts), significant outer nuclear layer preservation for the severity of visual loss (1 pt), nondetectable ERG responses from rods (0.5 pts) and cones (1 pt), and minimal autofluorescence (2 pts), which together are highly specific for RPE65 retinopathy (8 pts total, PP4_Moderate, PMID: 20604683). At least 3 probands with the required phenotype of extinguished ERG harbor the variant in the homozygous state (1 point, PMID: 20604683, PMID: 17724218, PMID: 15024725, PM3). This variant is present in gnomAD v.2.1.1 at a GrpMax allele frequency of 0.00002298, with 3 alleles / 34592 total alleles in the Admixed American population, which is lower than the ClinGen LCA / eoRD VCEP PM2_Supporting threshold of <0.0002 (PM2_Supporting). In summary, this variant meets the criteria to be classified as Pathogenic for RPE65-related recessive retinopathy based on the ACMG/AMP criteria applied, as specified by the ClinGen LCA/eoRD VCEP: PVS1, PP4_Moderate, PM2_Supporting, PM3, and PP1. (VCEP specifications version 1.0.0; date of approval 09/21/2023).

Labcorp Genetics (formerly Invitae), Labcorp
Classification: Pathogenic for Leber congenital amaurosis 2; Retinitis pigmentosa 20. Last evaluated: 2025-12-08. Review status: criteria provided, single submitter. Criteria: Invitae Variant Classification Sherloc (09022015). Collection method: clinical testing. Allele origin: germline. Not counted in ClinVar's aggregate classification.
Comment: This sequence change affects an acceptor splice site in intron 2 of the RPE65 gene. It is expected to disrupt RNA splicing. Variants that disrupt the donor or acceptor splice site typically lead to a loss of protein function (PMID: 16199547), and loss-of-function variants in RPE65 are known to be pathogenic (PMID: 9326941, 9501220, 9843205, 18632300). This variant is present in population databases (rs61751279, gnomAD 0.009%). Disruption of this splice site has been observed in individuals with RPE65-related conditions (PMID: 15024725, 17724218, 21151602). It has also been observed to segregate with disease in related individuals. ClinVar contains an entry for this variant (Variation ID: 98899). Algorithms developed to predict the effect of sequence changes on RNA splicing suggest that this variant may disrupt the consensus splice site. For these reasons, this variant has been classified as Pathogenic.

Revvity Omics, Revvity
Classification: Pathogenic. Last evaluated: 2025-05-28. Review status: criteria provided, single submitter. Criteria: ACMG Guidelines, 2015. Collection method: clinical testing. Allele origin: germline. Not counted in ClinVar's aggregate classification.

Myriad Genetics, Inc.
Classification: Pathogenic for RPE65-related recessive retinopathy. Last evaluated: 2025-05-02. Review status: criteria provided, single submitter. Criteria: Myriad Autosomal Dominant, Autosomal Recessive and X-Linked Classification Criteria (2023). Collection method: clinical testing. Allele origin: unknown. Not counted in ClinVar's aggregate classification.
Comment: NM_000329.2(RPE65):c.95-2A>T is a variant in a canonical splice site classified as pathogenic in the context of inherited retinal dystrophy, RPE65-related. c.95-2A>T has been observed in cases with relevant disease (PMID: 20604683). Relevant functional assessments of this variant are not available in the literature. c.95-2A>T has been observed in referenced population frequency databases. In summary, NM_000329.2(RPE65):c.95-2A>T is a variant in a canonical splice site in a gene where loss of function is a known mechanism of disease, is predicted to disrupt protein function, and has been observed more frequently in cases with the relevant disease than in healthy populations. Please note: this variant was assessed in the context of healthy population screening.

GeneDx
Classification: Pathogenic. Last evaluated: 2025-03-10. Review status: criteria provided, single submitter. Criteria: GeneDx Variant Classification Process June 2021. Collection method: clinical testing. Allele origin: germline. Affected: yes. Not counted in ClinVar's aggregate classification.
Comment: Canonical splice site variant predicted to result in a null allele in a gene for which loss of function is a known mechanism of disease; This variant is associated with the following publications: (PMID: 30268864, 25525159, 21911650, 17724218, 10873396, 26024124, 15024725, 21151602, 31736247, 31456290, 31589614, 34492281, 35836572, 31964843, 36460718, 38219857, 20604683)

Natera, Inc.
Classification: Pathogenic for Leber congenital amaurosis. Last evaluated: 2024-12-26. Review status: criteria provided, single submitter. Criteria: Natera Variant Classification Schema (03/2026). Collection method: clinical testing. Allele origin: germline. Not counted in ClinVar's aggregate classification.
Comment: The c.95-2A>T variant in RPE65 is a canonical splice acceptor site variant predicted to affect pre-mRNA splicing, which may result in an abnormal transcript and altered protein product. This variant is expected to result in nonsense mediated decay, truncation, or a dysfunctional protein product. This variant is rare in the general population with a frequency below the threshold expected for the associated phenotype(s). This variant has been observed in one or more individuals affected with the associated recessive disease, as either homozygous or compound heterozygous with a second variant (PMID: 31736247, 15024725, 26024124). Given the available evidence, this variant is classified as Pathogenic.

Fulgent Genetics
Classification: Pathogenic for Leber congenital amaurosis 2; Retinitis pigmentosa 20; Retinitis pigmentosa 87 with choroidal involvement. Last evaluated: 2024-06-18. Review status: criteria provided, single submitter. Criteria: ACMG Guidelines, 2015. Collection method: clinical testing. Allele origin: germline. Not counted in ClinVar's aggregate classification.

Baylor Genetics
Classification: Pathogenic for Leber congenital amaurosis 2. Last evaluated: 2024-02-13. Review status: criteria provided, single submitter. Criteria: ACMG Guidelines, 2015. Collection method: clinical testing. Allele origin: unknown. Not counted in ClinVar's aggregate classification.

Blueprint Genetics
Classification: Pathogenic for RPE65-related disorders. Last evaluated: 2024-02-07. Review status: criteria provided, single submitter. Criteria: ACMG Guidelines, 2015. Collection method: clinical testing. Allele origin: germline. Affected: yes. Observed: 5 variant alleles. Not counted in ClinVar's aggregate classification.

3billion
Classification: Pathogenic for Retinitis pigmentosa 20. Last evaluated: 2023-12-03. Review status: criteria provided, single submitter. Criteria: ACMG Guidelines, 2015. Collection method: clinical testing. Allele origin: germline. Affected: yes. Not counted in ClinVar's aggregate classification.
Comment: The variant is observed at an extremely low frequency in the gnomAD v2.1.1 dataset (total allele frequency: 0.002%). Predicted Consequence/Location: Canonical splice site: predicted to alter splicing and result in a loss or disruption of normal protein function. Multiple pathogenic loss-of-function variants are reported downstream of the variant. In silico tools predict the variant to alter splicing and produce an abnormal transcript [Splice AI: 0.98 (spliceogenicity >=0.2, non-spliceogenicity <0.1)]. The variant has been reported at least twice as pathogenic with clinical assertions and evidence for the classification (ClinVar ID: VCV000098899 /PMID: 15024725, 32347917, 35129589). Therefore, this variant is classified as Pathogenic according to the recommendation of ACMG/AMP guideline.

CeGaT Center for Human Genetics Tuebingen
Classification: Pathogenic. Last evaluated: 2023-09-01. Review status: criteria provided, single submitter. Criteria: CeGaT Center For Human Genetics Tuebingen Variant Classification Criteria Version 2. Collection method: clinical testing. Allele origin: germline. Affected: yes. Observed: 2 variant alleles. Not counted in ClinVar's aggregate classification.
Comment: RPE65: PVS1, PM2, PM3

Women's Health and Genetics/Laboratory Corporation of America, LabCorp
Classification: Pathogenic for Leber congenital amaurosis. Last evaluated: 2023-01-19. Review status: criteria provided, single submitter. Criteria: LabCorp Variant Classification Summary - May 2015. Collection method: clinical testing. Allele origin: germline. Not counted in ClinVar's aggregate classification.
Comment: Variant summary: RPE65 c.95-2A>T is located in a canonical splice-site and is predicted to affect mRNA splicing resulting in a significantly altered protein due to either exon skipping, shortening, or inclusion of intronic material. Several computational tools predict a significant impact on normal splicing: four predict the variant abolishes a 3 prime acceptor site; four predict the variant creates a 3 prime acceptor site. However, these predictions have yet to be confirmed by functional studies. The variant allele was found at a frequency of 2e-05 in 251428 control chromosomes. c.95-2A>T has been reported in the literature in multiple individuals affected with Leber Congenital Amaurosis. These data indicate that the variant is very likely to be associated with disease. Six clinical diagnostic laboratories have submitted clinical-significance assessments for this variant to ClinVar after 2014 without evidence for independent evaluation. All laboratories classified the variant as pathogenic. Based on the evidence outlined above, the variant was classified as pathogenic.

Sharon lab, Hadassah-Hebrew University Medical Center
Classification: Pathogenic for Leber congenital amaurosis. Last evaluated: 2019-06-23. Review status: no assertion criteria provided. Collection method: research. Allele origin: inherited. Affected: yes. Not counted in ClinVar's aggregate classification.

Counsyl
Classification: Pathogenic for Leber congenital amaurosis 2; Retinitis pigmentosa 20. Last evaluated: 2017-07-25. Review status: no assertion criteria provided. Collection method: clinical testing. Allele origin: unknown. Not counted in ClinVar's aggregate classification.

Laboratory of Genetics in Ophthalmology, Institut Imagine
Classification: Pathogenic for Leber congenital amaurosis 2. Review status: no assertion criteria provided. Collection method: research. Allele origin: inherited. Affected: yes. Observed: 5 variant alleles. Not counted in ClinVar's aggregate classification.

Retina International
No classification provided. Review status: no classification provided. Collection method: not provided. Allele origin: not provided. Not counted in ClinVar's aggregate classification.

Literature cited by the submitters: PubMed 16199547 (cited by Labcorp Genetics (formerly Invitae), Labcorp); PubMed 9326941 (cited by Labcorp Genetics (formerly Invitae), Labcorp); PubMed 9501220 (cited by Labcorp Genetics (formerly Invitae), Labcorp); PubMed 9843205 (cited by Labcorp Genetics (formerly Invitae), Labcorp); PubMed 18632300 (cited by Labcorp Genetics (formerly Invitae), Labcorp); PubMed 15024725 (cited by 5 submitters); PubMed 17724218 (cited by Labcorp Genetics (formerly Invitae), Labcorp and Counsyl); PubMed 21151602 (cited by Labcorp Genetics (formerly Invitae), Labcorp and Counsyl); PubMed 20604683 (cited by Myriad Genetics, Inc. and Counsyl); PubMed 31736247 (cited by Natera, Inc.); PubMed 26024124 (cited by Natera, Inc. and Counsyl); PubMed 31456290 (cited by Women's Health and Genetics/Laboratory Corporation of America, LabCorp); PubMed 21911650 (cited by Counsyl).

NM_000329.3(RPE65):c.95-2A>T

Gene: RPE65 (retinoid isomerohydrolase RPE65; minus strand). Cytogenetic location: 1p31.3.
Variant type: single nucleotide variant.
Coding change: c.95-2A>T on transcript NM_000329.3 (MANE Select); the canonical splice acceptor site of the intron before coding-DNA position 95, A replaced by T.
Molecular consequence: splice acceptor variant. On other transcripts: intron variant (1).
Genome position (GRCh38, 1-based): chr1:68,446,862, T>A on the plus strand (A>T on the coding strand, the complement: RPE65 is on the minus strand). VCF-style: chr1-68446862-T-A. GRCh37 (hg19) VCF-style: chr1-68912545-T-A.
Other names: c.-182-2A>T (NM_001406857.1); c.-32+1762A>T (NM_001406856.1); c.95-2A>T (NM_001406853.1, NM_001406859.1, NM_001406860.1).
Identifiers: ClinVar variation 98899 (VCV000098899.51), dbSNP rs61751279, ClinGen allele CA226591.